The following is an entry in ClinVar:

NM_033641.4(COL4A6):c.4345C>A (p.Gln1449Lys)

Gene: COL4A6 (collagen type IV alpha 6 chain; minus strand). Cytogenetic location: Xq22.3.
Variant type: single nucleotide variant.
Coding change: c.4345C>A on transcript NM_033641.4 (MANE Select); coding-DNA position 4345, C replaced by A.
Protein change: p.Gln1449Lys; replaces glutamine 1449 with lysine.
Molecular consequence: missense variant.
Genome position (GRCh38, 1-based): chrX:108,160,643, G>T on the plus strand (C>A on the coding strand, the complement: COL4A6 is on the minus strand). VCF-style: chrX-108160643-G-T. GRCh37 (hg19) VCF-style: chrX-107403873-G-T.
Other names: c.4396C>A, p.Gln1466Lys (NM_001287758.2); c.4273C>A, p.Gln1425Lys (NM_001287759.2); c.4174C>A, p.Gln1392Lys (NM_001287760.2); c.4348C>A, p.Gln1450Lys (NM_001847.4); short protein forms Q1392K, Q1466K, Q1425K, Q1449K, Q1450K.
Identifiers: ClinVar variation 2868921 (VCV002868921.3), dbSNP rs1398972334, ClinGen allele CA413850793.
Genomic context (GRCh38, chrX:108,160,643, plus strand): 5'-ACGTGTAGCCCACTCTCATGCTCTGGCCAGGCATTCCAGGCATCCCGAAGGGGCCTTGCT[G>T]CCCTGGAGCTCCTGAGAGAGACAGATCATAAAAGGTGAGTGTGGTGCAGCTAATGACAAC-3'
Protein context (NP_378667.1, residues 1439-1459): GPPGFEGAPG[Gln1449Lys]QGPFGMPGMP

ClinVar aggregate classification (germline): Uncertain significance (1 of 4 stars; one submission).

Allele frequency attached by ClinVar (database versions not stated): gnomAD exomes below 0.00001.
gnomAD v4.1: 1 of 1,205,282 alleles (0.000083%); highest among the groups gnomAD compares: Admixed American, 0.0022%; no homozygotes.

Submission:

Labcorp Genetics (formerly Invitae), Labcorp
Classification: Uncertain significance. Last evaluated: 2023-11-17. Review status: criteria provided, single submitter. Criteria: Invitae Variant Classification Sherloc (09022015). Collection method: clinical testing. Allele origin: germline.
Comment: This sequence change replaces glutamine, which is neutral and polar, with lysine, which is basic and polar, at codon 1450 of the COL4A6 protein (p.Gln1450Lys). This variant is present in population databases (no rsID available, gnomAD 0.004%). This variant has not been reported in the literature in individuals affected with COL4A6-related conditions. Advanced modeling of protein sequence and biophysical properties (such as structural, functional, and spatial information, amino acid conservation, physicochemical variation, residue mobility, and thermodynamic stability) performed at Invitae indicates that this missense variant is not expected to disrupt COL4A6 protein function with a negative predictive value of 80%. In summary, the available evidence is currently insufficient to determine the role of this variant in disease. Therefore, it has been classified as a Variant of Uncertain Significance.